The following is an entry in ClinVar:

ClinVar aggregate classification (germline): Conflicting classifications of pathogenicity. Review status: criteria provided, conflicting classifications (1 of 4 stars). 22 submissions from 18 submitters: Uncertain significance (7); Benign (2); Likely benign (8). 5 of the submissions do not count toward it. Last evaluated 2026-04-21.

Conditions:
Tibial muscular dystrophy (TMD). Also called: Udd Distal Myopathy – Tibial Muscular Dystrophy; UDD MYOPATHY; Tibial muscular dystrophy, tardive. Identifiers: Orphanet 609, MedGen C1838244, MONDO:0010870, OMIM 600334.
Cardiovascular phenotype. Identifiers: MedGen CN230736.
Cardiomyopathy (CMYO). Also called: Cardiomyopathies. Identifiers: Orphanet 167848, MedGen C0878544, MONDO:0004994, HP:0001638. Inheritance: Various modes of inheritance.
Dilated cardiomyopathy 1G (CMD1G). Identifiers: Orphanet 154, MedGen C1858763, MONDO:0011400, OMIM 604145.
Autosomal recessive limb-girdle muscular dystrophy type 2J (LGMDR10). Also called: MUSCULAR DYSTROPHY, LIMB-GIRDLE, AUTOSOMAL RECESSIVE 10; Limb-girdle muscular dystrophy, type 2J. Identifiers: Orphanet 140922, MedGen C1837342, MONDO:0012127, OMIM 608807.
Myopathy, myofibrillar, 9, with early respiratory failure (MFM9). Also called: Myopathy, distal, with early respiratory failure, autosomal dominant; EDSTROM MYOPATHY; Hereditary myopathy with early respiratory failure; MYOPATHY, PROXIMAL, WITH EARLY RESPIRATORY MUSCLE INVOLVEMENT. Identifiers: Orphanet 178464, Orphanet 34521, MedGen C1863599, MONDO:0011362, OMIM 603689.
TTN-related disorder. Also called: TTN-related condition; TTN-related disease; TTN-related disorders.
Early-onset myopathy with fatal cardiomyopathy (CMYO5). Also called: CONGENITAL MYOPATHY 5 WITH CARDIOMYOPATHY; Salih Myopathy. Identifiers: Orphanet 289377, MedGen C2673677, MONDO:0012714, OMIM 611705. Disease mechanism: loss of function.

Allele frequency attached by ClinVar (database versions not stated): ESP Exome Variant Server 0.00017; gnomAD exomes 0.00023; ExAC 0.00026; gnomAD 0.00028 and 0.00029; TOPMed 0.00031; 1000 Genomes Project 0.00040.
gnomAD v4.1: 750 of 1,609,588 alleles (0.047%); highest among the groups gnomAD compares: Non-Finnish European, 0.06%; 2 homozygotes.

Submissions (22):

Women's Health and Genetics/Laboratory Corporation of America, LabCorp
Classification: Likely benign. Last evaluated: 2026-04-21. Review status: criteria provided, single submitter. Criteria: LabCorp Variant Classification Summary - May 2015. Collection method: clinical testing. Allele origin: germline.
Comment: Variant summary: TTN c.66898A>G (p.Ile22300Val) results in a conservative amino acid change located in the A-band region of the encoded protein sequence. Algorithms developed to predict the effect of missense changes on protein structure and function are either unavailable or do not agree on the potential impact of this missense change. The variant allele was found at a frequency of 0.00047 in 1602622 control chromosomes in the gnomAD database including 2 homozygotes, predominantly within the Non-Finnish European subpopulation at a frequency of 0.0006. The observed variant frequency within Non-Finnish European control individuals in the gnomAD database exceeds the estimated maximal expected allele frequency for disease-causing variants in TTN. These reports do not provide unequivocal conclusions about association of the variant with Dilated Cardiomyopathy. To our knowledge, no experimental evidence demonstrating an impact on protein function has been reported. The following publications have been ascertained in the context of this evaluation (PMID: 26516846, 35207729). ClinVar contains an entry for this variant (Variation ID: 332783). Based on the evidence outlined above, the variant was classified as likely benign.

CeGaT Center for Human Genetics Tuebingen
Classification: Likely benign. Last evaluated: 2025-11-01. Review status: criteria provided, single submitter. Criteria: CeGaT Center For Human Genetics Tuebingen Variant Classification Criteria Version 2. Collection method: clinical testing. Allele origin: germline. Affected: yes. Observed: 4 variant alleles.
Comment: TTN: BS1

PreventionGenetics, part of Exact Sciences
Classification: Likely benign for TTN-related condition. Last evaluated: 2025-08-05. Review status: criteria provided, single submitter. Criteria: ACMG Guidelines, 2015. Collection method: clinical testing. Allele origin: germline.
Comment: This variant is classified as likely benign based on ACMG/AMP sequence variant interpretation guidelines (Richards et al. 2015 PMID: 25741868, with internal and published modifications).

Molecular Diagnostic Laboratory for Inherited Cardiovascular Disease, Montreal Heart Institute
Classification: Likely benign. Last evaluated: 2025-04-09. Review status: criteria provided, single submitter. Criteria: ACMG Guidelines, 2015. Collection method: clinical testing. Allele origin: germline. Affected: no.
Comment: BS1;BP1

Blueprint Genetics
Classification: Likely benign. Last evaluated: 2024-11-18. Review status: criteria provided, single submitter. Criteria: ACMG Guidelines, 2015. Collection method: clinical testing. Allele origin: germline.

Revvity Omics, Revvity
Classification: Likely benign. Last evaluated: 2023-11-07. Review status: criteria provided, single submitter. Criteria: ACMG Guidelines, 2015. Collection method: clinical testing. Allele origin: germline.

CHEO Genetics Diagnostic Laboratory, Children's Hospital of Eastern Ontario
Classification: Likely benign for Cardiomyopathy. Last evaluated: 2021-06-10. Review status: criteria provided, single submitter. Criteria: ACMG Guidelines, 2015. Collection method: clinical testing. Allele origin: germline.

GeneDx
Classification: Likely benign. Last evaluated: 2021-04-29. Review status: criteria provided, single submitter. Criteria: GeneDx Variant Classification Process June 2021. Collection method: clinical testing. Allele origin: germline. Affected: yes.

Mayo Clinic Laboratories, Mayo Clinic
Classification: Uncertain significance. Last evaluated: 2020-04-22. Review status: criteria provided, single submitter. Criteria: ACMG Guidelines, 2015. Collection method: clinical testing. Allele origin: germline. Observed: 1 variant allele.

Ambry Genetics
Classification: Uncertain significance for Cardiovascular phenotype. Last evaluated: 2018-11-02. Review status: criteria provided, single submitter. Criteria: Ambry Variant Classification Scheme 2023. Collection method: clinical testing. Allele origin: germline.
Comment: The p.I15803V variant (also known as c.47407A>G), located in coding exon 153 of the TTN gene, results from an A to G substitution at nucleotide position 47407. The isoleucine at codon 15803 is replaced by valine, an amino acid with highly similar properties. This amino acid position is well conserved in available vertebrate species. In addition, this alteration is predicted to be tolerated by in silico analysis. Since supporting evidence is limited at this time, the clinical significance of this alteration remains unclear.

Eurofins Ntd Llc (ga)
Classification: Uncertain significance. Last evaluated: 2018-04-23. Review status: criteria provided, single submitter. Criteria: EGL ClinVar v180209 classification definitions. Collection method: clinical testing. Allele origin: germline. Observed: 1 variant allele, 1 heterozygote.

Illumina Laboratory Services, Illumina
Classification: Benign for Myopathy, myofibrillar, 9, with early respiratory failure. Last evaluated: 2018-01-13. Review status: criteria provided, single submitter. Criteria: ICSL Variant Classification Criteria 13 December 2019. Collection method: clinical testing. Allele origin: germline.
Comment: This variant was observed in the ICSL laboratory as part of a predisposition screen in an ostensibly healthy population. It had not been previously curated by ICSL or reported in the Human Gene Mutation Database (HGMD: prior to June 1st, 2018), and was therefore a candidate for classification through an automated scoring system. Utilizing variant allele frequency, disease prevalence and penetrance estimates, and inheritance mode, an automated score was calculated to assess if this variant is too frequent to cause the disease. Based on the score and internal cut-off values, a variant classified as benign is not then subjected to further curation. The score for this variant resulted in a classification of benign for this disease.

Illumina Laboratory Services, Illumina
Classification: Uncertain significance for Early-onset myopathy with fatal cardiomyopathy. Last evaluated: 2018-01-13. Review status: criteria provided, single submitter. Criteria: ICSL Variant Classification Criteria 13 December 2019. Collection method: clinical testing. Allele origin: germline.

Illumina Laboratory Services, Illumina
Classification: Uncertain significance for Autosomal recessive limb-girdle muscular dystrophy type 2J. Last evaluated: 2018-01-13. Review status: criteria provided, single submitter. Criteria: ICSL Variant Classification Criteria 13 December 2019. Collection method: clinical testing. Allele origin: germline.

Illumina Laboratory Services, Illumina
Classification: Uncertain significance for Dilated cardiomyopathy 1G. Last evaluated: 2018-01-13. Review status: criteria provided, single submitter. Criteria: ICSL Variant Classification Criteria 13 December 2019. Collection method: clinical testing. Allele origin: germline.

Illumina Laboratory Services, Illumina
Classification: Benign for Tibial muscular dystrophy. Last evaluated: 2018-01-13. Review status: criteria provided, single submitter. Criteria: ICSL Variant Classification Criteria 13 December 2019. Collection method: clinical testing. Allele origin: germline.
Comment: the same text as in the submission from Illumina Laboratory Services, Illumina above.

Labcorp Genetics (formerly Invitae), Labcorp
Classification: Uncertain significance for Dilated cardiomyopathy 1G; Autosomal recessive limb-girdle muscular dystrophy type 2J. Last evaluated: 2017-11-16. Review status: criteria provided, single submitter. Criteria: Invitae Variant Classification Sherloc (09022015). Collection method: clinical testing. Allele origin: germline.

Clinical Genetics DNA and cytogenetics Diagnostics Lab, Erasmus MC, Erasmus Medical Center
Classification: Likely benign. Review status: no assertion criteria provided. Collection method: clinical testing. Allele origin: germline. Affected: yes. Study: VKGL Data-share Consensus. Not counted in ClinVar's aggregate classification.

Clinical Genetics, Academic Medical Center
Classification: Likely benign. Review status: no assertion criteria provided. Collection method: clinical testing. Allele origin: germline. Affected: yes. Study: VKGL Data-share Consensus. Not counted in ClinVar's aggregate classification.

Diagnostic Laboratory, Department of Genetics, University Medical Center Groningen
Classification: Likely benign. Review status: no assertion criteria provided. Collection method: clinical testing. Allele origin: germline. Affected: yes. Study: VKGL Data-share Consensus. Not counted in ClinVar's aggregate classification.

Genome Diagnostics Laboratory, University Medical Center Utrecht
Classification: Likely benign. Review status: no assertion criteria provided. Collection method: clinical testing. Allele origin: germline. Affected: yes. Study: VKGL Data-share Consensus. Not counted in ClinVar's aggregate classification.

Joint Genome Diagnostic Labs from Nijmegen and Maastricht, Radboudumc and MUMC+
Classification: Likely benign. Review status: no assertion criteria provided. Collection method: clinical testing. Allele origin: germline. Affected: yes. Study: VKGL Data-share Consensus. Not counted in ClinVar's aggregate classification.

Literature cited by the submitters: PubMed 26516846 (cited by Women's Health and Genetics/Laboratory Corporation of America, LabCorp); PubMed 35207729 (cited by Women's Health and Genetics/Laboratory Corporation of America, LabCorp).

NM_001267550.2(TTN):c.74602A>G (p.Ile24868Val)

Genes: TTN-AS1 (TTN antisense RNA 1; plus strand), TTN (titin; minus strand). Cytogenetic location: 2q31.2.
Variant type: single nucleotide variant.
Coding change: c.74602A>G on transcript NM_001267550.2 (MANE Select); coding-DNA position 74602, A replaced by G.
Protein change: p.Ile24868Val; replaces isoleucine 24868 with valine.
Molecular consequence: missense variant.
Genome position (GRCh38, 1-based): chr2:178,571,530, T>C on the plus strand (A>G on the coding strand, the complement: TTN is on the minus strand). VCF-style: chr2-178571530-T-C. GRCh37 (hg19) VCF-style: chr2-179436257-T-C.
Other names: c.69679A>G, p.Ile23227Val (NM_001256850.1); c.47407A>G, p.Ile15803Val (NM_003319.4); c.66898A>G, p.Ile22300Val (NM_133378.4); c.47782A>G, p.Ile15928Val (NM_133432.3); c.47983A>G, p.Ile15995Val (NM_133437.4); short protein forms I22300V, I24868V, I15928V, I15995V, I15803V, I23227V.
Identifiers: ClinVar variation 332783 (VCV000332783.67), dbSNP rs72646898, ClinGen allele CA1990169.